The following is an entry in ClinVar:

NM_000153.4(GALC):c.233A>G (p.Tyr78Cys)

Gene: GALC (galactosylceramidase; minus strand). Cytogenetic location: 14q31.3.
Variant type: single nucleotide variant.
Coding change: c.233A>G on transcript NM_000153.4 (MANE Select); coding-DNA position 233, A replaced by G.
Protein change: p.Tyr78Cys; replaces tyrosine 78 with cysteine.
Molecular consequence: missense variant. On other transcripts: intron variant (1).
Genome position (GRCh38, 1-based): chr14:87,988,486, T>C on the plus strand (A>G on the coding strand, the complement: GALC is on the minus strand). VCF-style: chr14-87988486-T-C. GRCh37 (hg19) VCF-style: chr14-88454830-T-C.
Other names: c.155A>G, p.Tyr52Cys (NM_001201402.2); c.196-279A>G (NM_001201401.2); short protein forms Y52C, Y78C.
Identifiers: ClinVar variation 990851 (VCV000990851.8), dbSNP rs367958957, ClinGen allele CA7297458.

ClinVar aggregate classification (germline): Uncertain significance. Review status: criteria provided, multiple submitters, no conflicts (2 of 4 stars). 5 submissions from 5 submitters: Uncertain significance (4). 1 of the submissions does not count toward it. Last evaluated 2024-08-27.

Conditions:
Galactosylceramide beta-galactosidase deficiency. Also called: GALACTOCEREBROSIDASE DEFICIENCY; GALC DEFICIENCY; GLOBOID CELL LEUKOENCEPHALOPATHY; Leukodystrophy, Globoid Cell; Krabbe Disease. Identifiers: Orphanet 487, MedGen C0023521, MONDO:0009499, OMIM 245200.

Allele frequency attached by ClinVar (database versions not stated): gnomAD exomes 0.00001; ExAC 0.00002; TOPMed 0.00002; ESP Exome Variant Server 0.00009.
gnomAD v4.1: 18 of 1,611,746 alleles (0.0011%); highest among the groups gnomAD compares: South Asian, 0.0022%; no homozygotes.

Submissions (5):

Blueprint Genetics
Classification: Uncertain significance. Last evaluated: 2024-08-27. Review status: criteria provided, single submitter. Criteria: ACMG Guidelines, 2015. Collection method: clinical testing. Allele origin: germline.

Fulgent Genetics
Classification: Uncertain significance for Galactosylceramide beta-galactosidase deficiency. Last evaluated: 2022-04-02. Review status: criteria provided, single submitter. Criteria: ACMG Guidelines, 2015. Collection method: clinical testing. Allele origin: unknown.

Labcorp Genetics (formerly Invitae), Labcorp
Classification: Uncertain significance for Galactosylceramide beta-galactosidase deficiency. Last evaluated: 2021-12-02. Review status: criteria provided, single submitter. Criteria: Invitae Variant Classification Sherloc (09022015). Collection method: clinical testing. Allele origin: germline.
Comment: This sequence change replaces tyrosine, which is neutral and polar, with cysteine, which is neutral and slightly polar, at codon 78 of the GALC protein (p.Tyr78Cys). This variant is present in population databases (rs367958957, gnomAD 0.007%). This variant has not been reported in the literature in individuals affected with GALC-related conditions. ClinVar contains an entry for this variant (Variation ID: 990851). Algorithms developed to predict the effect of missense changes on protein structure and function are either unavailable or do not agree on the potential impact of this missense change (SIFT: "Tolerated"; PolyPhen-2: "Possibly Damaging"; Align-GVGD: "Class C0"). In summary, the available evidence is currently insufficient to determine the role of this variant in disease. Therefore, it has been classified as a Variant of Uncertain Significance.

Juno Genomics, Hangzhou Juno Genomics, Inc
Classification: Uncertain significance for Galactosylceramide beta-galactosidase deficiency. Review status: criteria provided, single submitter. Criteria: ACMG Guidelines, 2015. Collection method: clinical testing. Allele origin: germline. Affected: yes.
Comment: Absent from controls (or at extremely low frequency if recessive) in Genome Aggregation Database, Exome Sequencing Project, 1000 Genomes Project, or Exome Aggregation Consortium.;Multiple lines of computational evidence support a deleterious effect on the gene or gene product (conservation, evolutionary, splicing impact, etc).;For recessive disorders, detected in trans with a pathogenic variant.

Natera, Inc.
Classification: Uncertain significance for Galactosylceramide beta-galactosidase deficiency. Last evaluated: 2020-04-18. Review status: no assertion criteria provided. Collection method: clinical testing. Allele origin: germline. Not counted in ClinVar's aggregate classification.